The following is an entry in ClinVar:

NM_001386298.1(CIC):c.3201T>G (p.Pro1067=)

Gene: CIC (capicua transcriptional repressor; plus strand). Cytogenetic location: 19q13.2.
Variant type: single nucleotide variant.
Coding change: c.3201T>G on transcript NM_001386298.1 (MANE Select); coding-DNA position 3201, T replaced by G.
Protein change: p.Pro1067=; no amino-acid change (proline 1067 retained).
Molecular consequence: synonymous variant.
Genome position (GRCh38, 1-based): chr19:42,287,341, T>G. VCF-style: chr19-42287341-T-G. GRCh37 (hg19) VCF-style: chr19-42791493-T-G.
Other names: c.3201T>G, p.Pro1067= (NM_001304815.2, NM_001379480.1, NM_001379482.1 and 1 more transcripts); c.474T>G, p.Pro158= (NM_001379484.1, NM_001379485.1, NM_015125.5).
Identifiers: ClinVar variation 2649978 (VCV002649978.24), dbSNP rs2513822587, ClinGen allele CA507703144.

ClinVar aggregate classification (germline): Likely benign (1 of 4 stars; one submission).

Submission:

CeGaT Center for Human Genetics Tuebingen
Classification: Likely benign. Last evaluated: 2024-03-01. Review status: criteria provided, single submitter. Criteria: CeGaT Center For Human Genetics Tuebingen Variant Classification Criteria Version 2. Collection method: clinical testing. Allele origin: germline. Affected: yes. Observed: 3 variant alleles.
Comment: CIC: PM2:Supporting, BP4, BP7